The following is an entry in ClinVar:

ClinVar aggregate classification (germline): Uncertain significance. Review status: criteria provided, multiple submitters, no conflicts (2 of 4 stars). 2 submissions from 2 submitters: Uncertain significance (2). Last evaluated 2023-02-06.

Conditions:
Inborn genetic diseases. Identifiers: MedGen C0950123, MeSH D030342.

Allele frequency attached by ClinVar (database versions not stated): ExAC 0.00001; gnomAD 0.00001; gnomAD exomes 0.00001; TOPMed 0.00002.

Submissions (2):

Ambry Genetics
Classification: Uncertain significance for Inborn genetic diseases. Last evaluated: 2023-02-06. Review status: criteria provided, single submitter. Criteria: Ambry Variant Classification Scheme 2023. Collection method: clinical testing. Allele origin: germline.

Labcorp Genetics (formerly Invitae), Labcorp
Classification: Uncertain significance. Last evaluated: 2022-08-10. Review status: criteria provided, single submitter. Criteria: Invitae Variant Classification Sherloc (09022015). Collection method: clinical testing. Allele origin: germline.
Comment: In summary, the available evidence is currently insufficient to determine the role of this variant in disease. Therefore, it has been classified as a Variant of Uncertain Significance. Algorithms developed to predict the effect of missense changes on protein structure and function are either unavailable or do not agree on the potential impact of this missense change (SIFT: "Deleterious"; PolyPhen-2: "Possibly Damaging"; Align-GVGD: "Class C0"). ClinVar contains an entry for this variant (Variation ID: 1386244). This variant has not been reported in the literature in individuals affected with SPEG-related conditions. This variant is present in population databases (rs774720811, gnomAD 0.01%). This sequence change replaces arginine, which is basic and polar, with tryptophan, which is neutral and slightly polar, at codon 3056 of the SPEG protein (p.Arg3056Trp).

NM_005876.5(SPEG):c.9166C>T (p.Arg3056Trp)

Genes: ASIC4-AS1 (ASIC4 antisense RNA 1; minus strand), SPEG (striated muscle enriched protein kinase; plus strand). Cytogenetic location: 2q35.
Variant type: single nucleotide variant.
Coding change: c.9166C>T on transcript NM_005876.5 (MANE Select); coding-DNA position 9166, C replaced by T.
Protein change: p.Arg3056Trp; replaces arginine 3056 with tryptophan.
Molecular consequence: missense variant.
Genome position (GRCh38, 1-based): chr2:219,490,737, C>T. VCF-style: chr2-219490737-C-T. GRCh37 (hg19) VCF-style: chr2-220355459-C-T.
Other names: c.9166C>T (NM_005876.4); short protein forms R3056W.
Identifiers: ClinVar variation 1386244 (VCV001386244.9), dbSNP rs774720811, ClinGen allele CA2127695.